The following is an entry in ClinVar:

ClinVar aggregate classification (germline): Likely benign (1 of 4 stars; one submission).

Conditions:
F8-related disorder. Also called: F8-related condition.

Submission:

PreventionGenetics, part of Exact Sciences
Classification: Likely benign for F8-related condition. Last evaluated: 2025-06-09. Review status: criteria provided, single submitter. Criteria: ACMG Guidelines, 2015. Collection method: clinical testing. Allele origin: germline.
Comment: This variant is classified as likely benign based on ACMG/AMP sequence variant interpretation guidelines (Richards et al. 2015 PMID: 25741868, with internal and published modifications).

NM_000132.4(F8):c.2113+471_2113+473del

Gene: F8 (coagulation factor VIII; minus strand). Cytogenetic location: Xq28.
Variant type: Deletion.
Coding change: c.2113+471_2113+473del on transcript NM_000132.4 (MANE Select); bases 471 to 473 of the intron after coding-DNA position 2113, 3 bases deleted (TTT; older notation c.2113+471_2113+473delTTT).
Molecular consequence: intron variant.
Genome position (GRCh38, 1-based): chrX:154,947,225-154,947,227, AAA deleted on the plus strand (TTT on the coding strand, the reverse complement: F8 is on the minus strand); deleting any 3 consecutive bases within chrX:154,947,225-154,947,249 gives the same sequence; the c. name uses the placement nearest the transcript's 3' end. VCF-style (leftmost placement, unchanged base first): chrX-154947224-GAAA-G. GRCh37 (hg19) VCF-style: chrX-154175499-GAAA-G.
Identifiers: ClinVar variation 4989178 (VCV004989178.1).